The following is an entry in ClinVar:

NM_005879.3(TRAIP):c.1195C>T (p.Pro399Ser)

Gene: TRAIP (TRAF interacting protein; minus strand). Cytogenetic location: 3p21.31.
Variant type: single nucleotide variant.
Coding change: c.1195C>T on transcript NM_005879.3 (MANE Select); coding-DNA position 1195, C replaced by T.
Protein change: p.Pro399Ser; replaces proline 399 with serine.
Molecular consequence: missense variant.
Genome position (GRCh38, 1-based): chr3:49,829,658, G>A on the plus strand (C>T on the coding strand, the complement: TRAIP is on the minus strand). VCF-style: chr3-49829658-G-A. GRCh37 (hg19) VCF-style: chr3-49867091-G-A.
Other names: short protein forms P399S.
Identifiers: ClinVar variation 2155801 (VCV002155801.1), dbSNP rs778074273, ClinGen allele CA2407570.

ClinVar aggregate classification (germline): Uncertain significance (1 of 4 stars; one submission).

Allele frequency attached by ClinVar (database versions not stated): TOPMed 0.00003; ExAC 0.00010.

Submission:

Labcorp Genetics (formerly Invitae), Labcorp
Classification: Uncertain significance. Last evaluated: 2022-08-19. Review status: criteria provided, single submitter. Criteria: Invitae Variant Classification Sherloc (09022015). Collection method: clinical testing. Allele origin: germline.
Comment: This sequence change replaces proline, which is neutral and non-polar, with serine, which is neutral and polar, at codon 399 of the TRAIP protein (p.Pro399Ser). This variant is present in population databases (rs778074273, gnomAD 0.05%). This variant has not been reported in the literature in individuals affected with TRAIP-related conditions. Algorithms developed to predict the effect of missense changes on protein structure and function (SIFT, PolyPhen-2, Align-GVGD) all suggest that this variant is likely to be tolerated. In summary, the available evidence is currently insufficient to determine the role of this variant in disease. Therefore, it has been classified as a Variant of Uncertain Significance.